The following is an entry in ClinVar:

NM_005472.5(KCNE3):c.250A>G (p.Lys84Glu)

Gene: KCNE3 (potassium voltage-gated channel subfamily E regulatory subunit 3; minus strand). Cytogenetic location: 11q13.4.
Variant type: single nucleotide variant.
Coding change: c.250A>G on transcript NM_005472.5 (MANE Select); coding-DNA position 250, A replaced by G.
Protein change: p.Lys84Glu; replaces lysine 84 with glutamic acid.
Molecular consequence: missense variant.
Genome position (GRCh38, 1-based): chr11:74,457,314, T>C on the plus strand (A>G on the coding strand, the complement: KCNE3 is on the minus strand). VCF-style: chr11-74457314-T-C. GRCh37 (hg19) VCF-style: chr11-74168359-T-C.
Other names: short protein forms K84E.
Identifiers: ClinVar variation 1792357 (VCV001792357.2), dbSNP rs2496084597, ClinGen allele CA381973763.

ClinVar aggregate classification (germline): Uncertain significance (1 of 4 stars; one submission).

Conditions:
Cardiovascular phenotype. Identifiers: MedGen CN230736.

Submission:

Ambry Genetics
Classification: Uncertain significance for Cardiovascular phenotype. Last evaluated: 2022-10-30. Review status: criteria provided, single submitter. Criteria: Ambry Variant Classification Scheme 2023. Collection method: clinical testing. Allele origin: germline.
Comment: The p.K84E variant (also known as c.250A>G), located in coding exon 1 of the KCNE3 gene, results from an A to G substitution at nucleotide position 250. The lysine at codon 84 is replaced by glutamic acid, an amino acid with similar properties. This amino acid position is conserved. In addition, this alteration is predicted to be deleterious by in silico analysis. Since supporting evidence is limited at this time, the clinical significance of this alteration remains unclear.